The following is an entry in ClinVar:

NM_001457.4(FLNB):c.1540G>A (p.Glu514Lys)

Gene: FLNB (filamin B; plus strand). Cytogenetic location: 3p14.3.
Variant type: single nucleotide variant.
Coding change: c.1540G>A on transcript NM_001457.4 (MANE Select); coding-DNA position 1540, G replaced by A.
Protein change: p.Glu514Lys; replaces glutamic acid 514 with lysine.
Molecular consequence: missense variant.
Genome position (GRCh38, 1-based): chr3:58,104,015, G>A. VCF-style: chr3-58104015-G-A. GRCh37 (hg19) VCF-style: chr3-58089742-G-A.
Other names: c.1540G>A (NM_001457.3); c.1540G>A, p.Glu514Lys (NM_001164317.2, NM_001164318.2, NM_001164319.2); short protein forms E514K.
Identifiers: ClinVar variation 1438106 (VCV001438106.11), dbSNP rs147001986, ClinGen allele CA2467843.

ClinVar aggregate classification (germline): Conflicting classifications of pathogenicity. Review status: criteria provided, conflicting classifications (1 of 4 stars). 6 submissions from 6 submitters: Uncertain significance (4); Likely benign (2). Last evaluated 2026-06-25.

Conditions:
FLNB-related disorder. Also called: FLNB-related disorders; FLNB-related condition. Identifiers: MedGen CN381095.

Allele frequency attached by ClinVar (database versions not stated): ExAC 0.00007; gnomAD 0.00009; gnomAD exomes 0.00009 and 0.00023; TOPMed 0.00012; 1000 Genomes Project 0.00020; 1000 Genomes Project 30x 0.00031.
gnomAD v4.1: 341 of 1,613,786 alleles (0.021%); highest among the groups gnomAD compares: Non-Finnish European, 0.028%; no homozygotes.

Submissions (6):

Women's Health and Genetics/Laboratory Corporation of America, LabCorp
Classification: Uncertain significance. Last evaluated: 2026-06-25. Review status: criteria provided, single submitter. Criteria: LabCorp Variant Classification Summary - May 2015. Collection method: clinical testing. Allele origin: germline.
Comment: Variant summary: FLNB c.1540G>A (p.Glu514Lys) results in a conservative amino acid change in the encoded protein sequence. Algorithms developed to predict the effect of missense changes on protein structure and function are either unavailable or do not agree on the potential impact of this missense change. The variant allele was found at a frequency of 9.1e-05 in 251454 control chromosomes. This frequency is not significantly higher than estimated for disease-causing variants in FLNB, allowing no conclusion about variant significance. c.1540G>A has been observed in at least one individual with isolated transposition of the great arteries, without strong evidence of causality (example: Hauser_2018). This report does not provide unequivocal conclusions about association of the variant with disease. To our knowledge, no experimental evidence demonstrating an impact on protein function has been reported. The following publication has been ascertained in the context of this evaluation (PMID: 29368431). ClinVar contains an entry for this variant (Variation ID: 1438106). Based on the evidence outlined above, the variant was classified as uncertain significance.

Labcorp Genetics (formerly Invitae), Labcorp
Classification: Likely benign. Last evaluated: 2025-12-26. Review status: criteria provided, single submitter. Criteria: Invitae Variant Classification Sherloc (09022015). Collection method: clinical testing. Allele origin: germline.

PreventionGenetics, part of Exact Sciences
Classification: Uncertain significance for FLNB-related condition. Last evaluated: 2025-07-11. Review status: criteria provided, single submitter. Criteria: ACMG Guidelines, 2015. Collection method: clinical testing. Allele origin: germline.
Comment: The FLNB c.1540G>A variant is predicted to result in the amino acid substitution p.Glu514Lys. To our knowledge, this variant has not been reported in the literature. This variant is reported in 0.019% of alleles in individuals of European (Non-Finnish) descent in gnomAD. At this time, the clinical significance of this variant is uncertain due to the absence of conclusive functional and genetic evidence.

Laboratory of Genetics, Children's Clinical University Hospital Latvia
Classification: Likely benign. Last evaluated: 2025-02-16. Review status: criteria provided, single submitter. Criteria: ACMG Guidelines, 2015. Collection method: clinical testing. Allele origin: germline. Affected: yes.

Blueprint Genetics
Classification: Uncertain significance. Last evaluated: 2024-07-30. Review status: criteria provided, single submitter. Criteria: ACMG Guidelines, 2015. Collection method: clinical testing. Allele origin: germline.

GeneDx
Classification: Uncertain significance. Last evaluated: 2024-06-12. Review status: criteria provided, single submitter. Criteria: GeneDx Variant Classification Process June 2021. Collection method: clinical testing. Allele origin: germline. Affected: yes.
Comment: In silico analysis indicates that this missense variant does not alter protein structure/function; Has not been previously published as pathogenic or benign to our knowledge

Literature cited by the submitters: PubMed 29368431 (cited by Women's Health and Genetics/Laboratory Corporation of America, LabCorp).